The following is an entry in ClinVar:

ClinVar aggregate classification (germline): Uncertain significance. Review status: criteria provided, multiple submitters, no conflicts (2 of 4 stars). 5 submissions from 5 submitters: Uncertain significance (4). 1 of the submissions does not count toward it. Last evaluated 2024-11-26.

Conditions:
T-B+ severe combined immunodeficiency due to JAK3 deficiency. Also called: SCID, T CELL-NEGATIVE, B CELL-POSITIVE, NK CELL-NEGATIVE; SCID, autosomal recessive, T-negative/B-positive type. Identifiers: Orphanet 35078, MedGen C1833275, MONDO:0010938, OMIM 600802.

Allele frequency attached by ClinVar (database versions not stated): 1000 Genomes Project below 0.00001; 1000 Genomes Project 30x 0.00031; TOPMed 0.00051; gnomAD 0.00056; gnomAD exomes 0.00056; ESP Exome Variant Server 0.00062; ExAC 0.00078.
gnomAD v4.1: 1,182 of 1,611,570 alleles (0.073%); highest among the groups gnomAD compares: Non-Finnish European, 0.089%; no homozygotes.

Submissions (5):

Blueprint Genetics
Classification: Uncertain significance. Last evaluated: 2024-11-26. Review status: criteria provided, single submitter. Criteria: ACMG Guidelines, 2015. Collection method: clinical testing. Allele origin: germline.

Labcorp Genetics (formerly Invitae), Labcorp
Classification: Uncertain significance for T-B+ severe combined immunodeficiency due to JAK3 deficiency. Last evaluated: 2022-11-01. Review status: criteria provided, single submitter. Criteria: Invitae Variant Classification Sherloc (09022015). Collection method: clinical testing. Allele origin: germline.
Comment: This sequence change replaces threonine, which is neutral and polar, with methionine, which is neutral and non-polar, at codon 8 of the JAK3 protein (p.Thr8Met). This variant is present in population databases (rs145500023, gnomAD 0.09%), and has an allele count higher than expected for a pathogenic variant. This variant has not been reported in the literature in individuals affected with JAK3-related conditions. ClinVar contains an entry for this variant (Variation ID: 134575). Algorithms developed to predict the effect of missense changes on protein structure and function output the following: SIFT: "Deleterious"; PolyPhen-2: "Probably Damaging"; Align-GVGD: "Class C0". The methionine amino acid residue is found in multiple mammalian species, which suggests that this missense change does not adversely affect protein function. In summary, the available evidence is currently insufficient to determine the role of this variant in disease. Therefore, it has been classified as a Variant of Uncertain Significance.

Baylor Genetics
Classification: Uncertain significance for T-B+ severe combined immunodeficiency due to JAK3 deficiency. Last evaluated: 2020-07-30. Review status: criteria provided, single submitter. Criteria: ACMG Guidelines, 2015. Collection method: clinical testing. Allele origin: paternal. Affected: yes.
Comment: This variant was determined to be of uncertain significance according to ACMG Guidelines, 2015 [PMID:25741868].

Illumina Laboratory Services, Illumina
Classification: Uncertain significance for T-B+ severe combined immunodeficiency due to JAK3 deficiency. Last evaluated: 2018-01-13. Review status: criteria provided, single submitter. Criteria: ICSL Variant Classification Criteria 13 December 2019. Collection method: clinical testing. Allele origin: germline.

ITMI
No classification provided. Condition: AllHighlyPenetrant. Last evaluated: 2013-09-19. Review status: no classification provided. Collection method: reference population. Allele origin: germline. Not counted in ClinVar's aggregate classification.
Comment: Please see associated publication for description of ethnicities

Literature cited by the submitters: PubMed 24728327 (cited by ITMI).

NM_000215.4(JAK3):c.23C>T (p.Thr8Met)

Gene: JAK3 (Janus kinase 3; minus strand). Cytogenetic location: 19p13.11.
Variant type: single nucleotide variant.
Coding change: c.23C>T on transcript NM_000215.4 (MANE Select); coding-DNA position 23, C replaced by T.
Protein change: p.Thr8Met; replaces threonine 8 with methionine.
Molecular consequence: missense variant.
Genome position (GRCh38, 1-based): chr19:17,844,395, G>A on the plus strand (C>T on the coding strand, the complement: JAK3 is on the minus strand). VCF-style: chr19-17844395-G-A. GRCh37 (hg19) VCF-style: chr19-17955204-G-A.
Other names: short protein forms T8M.
Identifiers: ClinVar variation 134575 (VCV000134575.13), dbSNP rs145500023, ClinGen allele CA160231.